The following is an entry in ClinVar:

NM_002691.4(POLD1):c.75del (p.Asp25fs)

Gene: POLD1 (DNA polymerase delta 1, catalytic subunit; plus strand). Cytogenetic location: 19q13.33.
Variant type: Deletion.
Coding change: c.75del on transcript NM_002691.4 (MANE Select); coding-DNA position 75, one base deleted (T; older notation c.75delT).
Protein change: p.Asp25fs; shifts the reading frame from aspartic acid 25.
Molecular consequence: frameshift variant. On other transcripts: non-coding transcript variant (1).
Genome position (GRCh38, 1-based): chr19:50,398,926, T deleted. VCF-style (leftmost placement, unchanged base first): chr19-50398925-AT-A. GRCh37 (hg19) VCF-style: chr19-50902182-AT-A.
Other names: c.75del, p.Asp25fs (NM_001256849.1, NM_001308632.1); c.75delT (NM_002691.2); short protein forms D25fs.
Identifiers: ClinVar variation 469384 (VCV000469384.9), dbSNP rs772855121, ClinGen allele CA9595606.
Genomic context (GRCh38, chr19:50,398,925, plus strand): 5'-GGCGGCCAGGCCCAGGGCCCGGGGTGCCCCCAAAGCGGGCCCGTGGGGGCCTCTGGGATG[AT>A]GATGATGCACCTCGGCCATCCCAATTCGAGGAGGACCTGGCACTGATGGAGGAGATGGAG-3'

ClinVar aggregate classification (germline): Uncertain significance. Review status: criteria provided, multiple submitters, no conflicts (2 of 4 stars). 2 submissions from 2 submitters: Uncertain significance (2). Last evaluated 2025-07-02.

Conditions:
Hereditary cancer-predisposing syndrome. Also called: Neoplastic Syndromes, Hereditary; Hereditary neoplastic syndrome; Tumor predisposition; Hereditary Cancer Syndrome. Identifiers: Orphanet 140162, MedGen C0027672, MeSH D009386, MONDO:0015356.
POLD1-related polyposis and colorectal cancer syndrome (CRCS10). Also called: Colorectal cancer 10; COLORECTAL CANCER, SUSCEPTIBILITY TO, ON CHROMOSOME 19q; Colorectal cancer, susceptibility to, 10. Identifiers: Orphanet 220460, MedGen C2675481, MONDO:0012953, OMIM 612591.

Allele frequency attached by ClinVar (database versions not stated): gnomAD exomes below 0.00001; TOPMed below 0.00001; gnomAD 0.00001; ExAC 0.00002.

Submissions (2):

Ambry Genetics
Classification: Uncertain significance for Hereditary cancer-predisposing syndrome. Last evaluated: 2025-07-02. Review status: criteria provided, single submitter. Criteria: Ambry Variant Classification Scheme 2023. Collection method: clinical testing. Allele origin: germline.
Comment: The c.75delT variant, located in coding exon 1 of the POLD1 gene, results from a deletion of one nucleotide at nucleotide position 75, causing a translational frameshift with a predicted alternate stop codon (p.D25Efs*16). This alteration is expected to result in protein truncation or nonsense-mediated mRNA decay. However, loss of function of POLD1 has not been established as a mechanism of disease. Based on the available evidence, the clinical significance of this alteration remains unclear.

Labcorp Genetics (formerly Invitae), Labcorp
Classification: Uncertain significance for POLD1-related polyposis and colorectal cancer syndrome. Last evaluated: 2024-12-17. Review status: criteria provided, single submitter. Criteria: Invitae Variant Classification Sherloc (09022015). Collection method: clinical testing. Allele origin: germline.
Comment: This sequence change creates a premature translational stop signal (p.Asp25Glufs*16) in the POLD1 gene. Missense variants that disrupt the 3'-5' exonuclease (proof-reading) activity of the POLD1 protein are associated with PPAP (polymerase proofreading–associated polyposis) (PMID: 23263490, 23447401). However, loss-of-function variants that result in an absent or severely disrupted POLD1 protein, and missense variants outside the exonuclease domain, are unlikely to be associated with PPAP. This variant is present in population databases (rs772855121, gnomAD 0.001%). This variant has not been reported in the literature in individuals affected with POLD1-related conditions. ClinVar contains an entry for this variant (Variation ID: 469384). Algorithms developed to predict the effect of sequence changes on RNA splicing suggest that this variant may disrupt the consensus splice site. In summary, the available evidence is currently insufficient to determine the role of this variant in disease. Therefore, it has been classified as a Variant of Uncertain Significance.

Literature cited by the submitters: PubMed 23263490 (cited by Labcorp Genetics (formerly Invitae), Labcorp); PubMed 23447401 (cited by Labcorp Genetics (formerly Invitae), Labcorp).